The following is an entry in ClinVar:

NM_001130965.3(SUN1):c.616G>A (p.Gly206Arg)

Gene: SUN1 (Sad1 and UNC84 domain containing 1; plus strand). Cytogenetic location: 7p22.3.
Variant type: single nucleotide variant.
Coding change: c.616G>A on transcript NM_001130965.3 (MANE Select); coding-DNA position 616, G replaced by A.
Protein change: p.Gly206Arg; replaces glycine 206 with arginine.
Molecular consequence: missense variant. On other transcripts: synonymous variant (1), 5 prime UTR variant (1), non-coding transcript variant (3), intron variant (1).
Genome position (GRCh38, 1-based): chr7:843,478, G>A. VCF-style: chr7-843478-G-A. GRCh37 (hg19) VCF-style: chr7-883115-G-A.
Other names: c.679G>A, p.Gly227Arg (NM_001171945.2); c.616G>A, p.Gly206Arg (NM_001171946.2, NM_001367633.1, NM_001367634.1 and 32 more transcripts); c.159G>A, p.Pro53= (NM_001367635.1); c.466G>A, p.Gly156Arg (NM_001367636.1, NM_001367644.1, NM_001367645.1 and 23 more transcripts); c.49G>A, p.Gly17Arg (NM_001367639.1, NM_001367708.1); c.835G>A, p.Gly279Arg (NM_001367651.1); c.-146G>A (NM_001367658.1); c.643G>A, p.Gly215Arg (NM_001367669.1); and 2 more; short protein forms G206R, G227R, G156R, G17R, G279R, G143R, G215R.
Identifiers: ClinVar variation 660244 (VCV000660244.9), dbSNP rs375261890, ClinGen allele CA4111619.

ClinVar aggregate classification (germline): Uncertain significance. Review status: criteria provided, multiple submitters, no conflicts (2 of 4 stars). 2 submissions from 2 submitters: Uncertain significance (2). Last evaluated 2025-02-12.

Conditions:
Emery-Dreifuss muscular dystrophy (EDMD). Also called: Scapuloperoneal syndrome, X-linked (formerly); Humeroperoneal neuromuscular disease, (formerly). Identifiers: Orphanet 261, MedGen C0410189, MONDO:0016830.

Allele frequency attached by ClinVar (database versions not stated): gnomAD 0.00001 and 0.00003; ExAC 0.00002; gnomAD exomes 0.00002 and 0.00004; TOPMed 0.00002; ESP Exome Variant Server 0.00008.

Submissions (2):

Labcorp Genetics (formerly Invitae), Labcorp
Classification: Uncertain significance for Emery-Dreifuss muscular dystrophy. Last evaluated: 2025-02-12. Review status: criteria provided, single submitter. Criteria: Invitae Variant Classification Sherloc (09022015). Collection method: clinical testing. Allele origin: germline.
Comment: This sequence change replaces glycine, which is neutral and non-polar, with arginine, which is basic and polar, at codon 206 of the SUN1 protein (p.Gly206Arg). This variant is present in population databases (rs375261890, gnomAD 0.03%). This variant has not been reported in the literature in individuals affected with SUN1-related conditions. ClinVar contains an entry for this variant (Variation ID: 660244). An algorithm developed to predict the effect of missense changes on protein structure and function (PolyPhen-2) suggests that this variant is likely to be disruptive. In summary, the available evidence is currently insufficient to determine the role of this variant in disease. Therefore, it has been classified as a Variant of Uncertain Significance.

Ambry Genetics
Classification: Uncertain significance. Last evaluated: 2025-01-31. Review status: criteria provided, single submitter. Criteria: Ambry Variant Classification Scheme 2023. Collection method: clinical testing. Allele origin: germline.